The following is an entry in ClinVar:

ClinVar aggregate classification (germline): Likely pathogenic. Review status: reviewed by expert panel (3 of 4 stars). 6 submissions from 6 submitters: Likely pathogenic (1). 5 of the submissions do not count toward it. Last evaluated 2025-08-18.

Conditions:
BRCA2-related cancer predisposition. Identifiers: MedGen CN377758, MONDO:0700269.
Hereditary cancer-predisposing syndrome. Also called: Tumor predisposition; Hereditary neoplastic syndrome; Hereditary Cancer Syndrome; Neoplastic Syndromes, Hereditary. Identifiers: Orphanet 140162, MedGen C0027672, MeSH D009386, MONDO:0015356.
Hereditary breast ovarian cancer syndrome. Also called: Hereditary breast and ovarian cancer; Breast and ovarian cancer; BRCA1- and BRCA2-Associated Hereditary Breast and Ovarian Cancer; Hereditary breast and/or ovarian cancer syndrome; Hereditary breast and ovarian cancer syndrome; Hereditary breast and ovarian cancer syndrome (HBOC). Identifiers: Orphanet 145, MedGen C0677776, MeSH D061325, MONDO:0003582. Disease mechanism: loss of function.

Submissions (6):

ClinGen ENIGMA BRCA1 and BRCA2 Variant Curation Expert Panel, ClinGen
Classification: Likely pathogenic for BRCA2-related cancer predisposition. Last evaluated: 2025-08-18. Review status: reviewed by expert panel. Criteria: CSpec BRCA1/2ACMG Rules Specifications V1.2. Collection method: curation. Allele origin: germline. Inheritance: Autosomal dominant inheritance.
Comment: The c.9302T>C variant in BRCA2 is a missense variant predicted to cause substitution of Leucine by Proline at amino acid 3101 (p.(Leu3101Pro)). This variant is absent from gnomAD v2.1 (exomes only, non-cancer subset, read depth ≥25) and gnomAD v3.1 (non-cancer subset, read depth ≥25) (PM2_Supporting met). Reported by three calibrated studies to exhibit protein function similar to pathogenic control variants (PMIDs: 38417439, 32444794, 39779857) (PS3 met). This BRCA2 missense variant is within a key functional domain and the computational predictor BayesDel (noAF) gives a score of 0.32, above the recommended threshold of 0.30 for prediction of impact on BRCA2 function via protein change. A SpliceAI score of 0 predicts no impact on splicing (score threshold <0.10) (PP3 met). Multifactorial likelihood ratio analysis using clinically calibrated data produced a combined LR for this variant of 2.19 (based on Family History LR=2.19), within the thresholds for supporting evidence towards pathogenicity (LR >2.08 & ≤4.3) (PP4 met; PMID: 31853058). In summary, this variant meets the criteria to be classified as a Likely pathogenic variant for BRCA2-related cancer predisposition based on the ACMG/AMP criteria applied as specified by the ENIGMA BRCA1/2 VCEP (PM2_Supporting, PS3, PP3, PP4).

Ambry Genetics
Classification: Likely pathogenic for Hereditary cancer-predisposing syndrome. Last evaluated: 2026-02-26. Review status: criteria provided, single submitter. Criteria: Ambry Variant Classification Scheme 2023. Collection method: clinical testing. Allele origin: germline. Not counted in ClinVar's aggregate classification.
Comment: The c.9302T>C (p.L3101P) alteration is located in exon 25 (coding exon 24) of the BRCA2 gene. This alteration results from a T to C substitution at nucleotide position 9302, causing the leucine (L) at amino acid position 3101 to be replaced by a proline (P). This variant was not reported in population-based cohorts in the Genome Aggregation Database (gnomAD). In one study, this variant was observed in 1/68 ovarian tumor samples and classified by the authors as a variant of unknown significance; it is unknown if this was a germline or somatic variant (Ellison, 2015). This alteration has also been reported as a germline variant in at least one individual with ovarian cancer (Jasiewicz, 2022). This amino acid position is well conserved in available vertebrate species. This alteration was non-functional in a homology directed DNA repair assay (Hu, 2024) and was reported as pathogenic based on sensitivity to PARP inhibitors in a high-throughput in vitro assay performed in a human colorectal adenoma cell line (Ikegami, 2020). In addition, a saturation genome editing-based study using a haploid cell-survival assay demonstrates that this nucleotide substitution may be non-functional (Huang, 2025). This alteration is predicted to be deleterious by in silico analysis. Based on the available evidence, this alteration is classified as likely pathogenic.

Labcorp Genetics (formerly Invitae), Labcorp
Classification: Uncertain significance for Hereditary breast ovarian cancer syndrome. Last evaluated: 2025-10-18. Review status: criteria provided, single submitter. Criteria: Invitae Variant Classification Sherloc (09022015). Collection method: clinical testing. Allele origin: germline. Not counted in ClinVar's aggregate classification.
Comment: This sequence change replaces leucine, which is neutral and non-polar, with proline, which is neutral and non-polar, at codon 3101 of the BRCA2 protein (p.Leu3101Pro). This variant is not present in population databases (gnomAD no frequency). This missense change has been observed in individual(s) with ovarian cancer (PMID: 32776218). ClinVar contains an entry for this variant (Variation ID: 216263). Invitae Evidence Modeling of protein sequence and biophysical properties (such as structural, functional, and spatial information, amino acid conservation, physicochemical variation, residue mobility, and thermodynamic stability) indicates that this missense variant is not expected to disrupt BRCA2 protein function with a negative predictive value of 95%. In summary, the available evidence is currently insufficient to determine the role of this variant in disease. Therefore, it has been classified as a Variant of Uncertain Significance.

GeneDx
Classification: Likely pathogenic. Last evaluated: 2024-02-16. Review status: criteria provided, single submitter. Criteria: GeneDx Variant Classification Process June 2021. Collection method: clinical testing. Allele origin: germline. Affected: yes. Not counted in ClinVar's aggregate classification.
Comment: Published functional studies demonstrate a damaging effect: defective homology-directed repair activity and sensitivity to PARP inhibitors (PMID: 35736817, 32444794); Not observed at significant frequency in large population cohorts (gnomAD); In silico analysis supports that this missense variant does not alter protein structure/function; Also known as 9530T>C; This variant is associated with the following publications: (PMID: 25859162, 29884841, 31853058, 12228710, 32776218, 35382848, 33471991, 32444794, 35736817)

Genetic Services Laboratory, University of Chicago
Classification: Uncertain significance. Last evaluated: 2021-09-22. Review status: criteria provided, single submitter. Criteria: ACMG Guidelines, 2015. Collection method: clinical testing. Allele origin: germline. Affected: no. Not counted in ClinVar's aggregate classification.
Comment: This sequence change does not appear to have been previously described in patients with BRCA2-related disorders and has also not been described in the population databases such as ExAC and gnomAD (dbSNP rs28897758). The p.Leu3101Pro change affects a moderately conserved amino acid residue located in a domain of the BRCA2 protein that is known to be functional. The p.Leu3101Pro substitution appears to be deleterious using several in-silico pathogenicity prediction tools (SIFT, PolyPhen2, Align GVGD, REVEL). Due to this insufficient evidence and the lack of functional studies, the clinical significance of the p.Leu3101Pro change remains unknown at this time.

Women's Health and Genetics/Laboratory Corporation of America, LabCorp
Classification: Uncertain significance. Last evaluated: 2019-08-16. Review status: criteria provided, single submitter. Criteria: LabCorp Variant Classification Summary - May 2015. Collection method: clinical testing. Allele origin: germline. Not counted in ClinVar's aggregate classification.
Comment: Variant summary: BRCA2 c.9302T>C (p.Leu3101Pro) results in a non-conservative amino acid change located in the OB3 domain (IPR015188) of the encoded protein sequence. Five of five in-silico tools predict a damaging effect of the variant on protein function. The variant was absent in 250968 control chromosomes (gnomAD). The available data on variant occurrences in the general population are insufficient to allow any conclusion about variant significance. The variant, c.9302T>C has been reported in an ovarian cancer tumor, however germline or somatic status was not determined (Ellison_2015). No experimental evidence demonstrating its impact on protein function has been reported. One clinical diagnostic laboratory has submitted clinical-significance assessments for this variant to ClinVar after 2014 without evidence for independent evaluation and classified the variant as uncertain significance. Based on the evidence outlined above, the variant was classified as uncertain significance.

Literature cited by the submitters: PubMed 25859162 (cited by Ambry Genetics and Women's Health and Genetics/Laboratory Corporation of America, LabCorp); PubMed 32444794 (cited by Ambry Genetics); PubMed 35382848 (cited by Ambry Genetics); PubMed 38417439 (cited by Ambry Genetics); PubMed 39779857 (cited by Ambry Genetics); PubMed 32776218 (cited by Labcorp Genetics (formerly Invitae), Labcorp).

NM_000059.4(BRCA2):c.9302T>C (p.Leu3101Pro)

Gene: BRCA2 (BRCA2 DNA repair associated; plus strand). Cytogenetic location: 13q13.1.
Variant type: single nucleotide variant.
Coding change: c.9302T>C on transcript NM_000059.4 (MANE Select); coding-DNA position 9302, T replaced by C.
Protein change: p.Leu3101Pro; replaces leucine 3101 with proline.
Molecular consequence: missense variant.
Genome position (GRCh38, 1-based): chr13:32,394,734, T>C. VCF-style: chr13-32394734-T-C. GRCh37 (hg19) VCF-style: chr13-32968871-T-C.
Other names: NM_000059.4(BRCA2):c.9302T>C; p.Leu3101Pro; short protein forms L3101P.
Identifiers: ClinVar variation 216263 (VCV000216263.23), dbSNP rs28897758, ClinGen allele CA337754.
Genomic context (GRCh38, chr13:32,394,734, plus strand): 5'-TTTTTTCCATTCTAGGACTTGCCCCTTTCGTCTATTTGTCAGACGAATGTTACAATTTAC[T>C]GGCAATAAAGTTTTGGATAGACCTTAATGAGGACATTATTAAGCCTCATATGTTAATTGC-3'
Protein context (NP_000050.3, residues 3091-3111): VYLSDECYNL[Leu3101Pro]AIKFWIDLNE